The following is an entry in ClinVar:

ClinVar aggregate classification (germline): Uncertain significance (1 of 4 stars; one submission).

Conditions:
MHC class I deficiency. Identifiers: Orphanet 34592, MedGen C6024714, MONDO:0011476.

Allele frequency attached by ClinVar (database versions not stated): gnomAD 0.00002 and 0.00004; TOPMed 0.00007.
gnomAD v4.1: 13 of 1,612,916 alleles (0.00081%); highest among the groups gnomAD compares: East Asian, 0.0067%; no homozygotes.

Submission:

Labcorp Genetics (formerly Invitae), Labcorp
Classification: Uncertain significance for MHC class I deficiency 1. Last evaluated: 2025-04-07. Review status: criteria provided, single submitter. Criteria: Invitae Variant Classification Sherloc (09022015). Collection method: clinical testing. Allele origin: germline.
Comment: This sequence change replaces arginine, which is basic and polar, with glutamine, which is neutral and polar, at codon 226 of the TAP2 protein (p.Arg226Gln). This variant is present in population databases (rs371802164, gnomAD 0.006%). This variant has not been reported in the literature in individuals affected with TAP2-related conditions. ClinVar contains an entry for this variant (Variation ID: 1057617). Experimental studies and prediction algorithms are not available or were not evaluated, and the functional significance of this variant is currently unknown. In summary, the available evidence is currently insufficient to determine the role of this variant in disease. Therefore, it has been classified as a Variant of Uncertain Significance.

NM_001290043.2(TAP2):c.677G>A (p.Arg226Gln)

Genes: TAP2 (transporter 2, ATP binding cassette subfamily B member; minus strand), LOC107648851 (meiotic recombination hotspot TAP2; plus strand). Cytogenetic location: 6p21.32.
Variant type: single nucleotide variant.
Coding change: c.677G>A on transcript NM_001290043.2 (MANE Select); coding-DNA position 677, G replaced by A.
Protein change: p.Arg226Gln; replaces arginine 226 with glutamine.
Molecular consequence: missense variant.
Genome position (GRCh38, 1-based): chr6:32,835,705, C>T on the plus strand (G>A on the coding strand, the complement: TAP2 is on the minus strand). VCF-style: chr6-32835705-C-T. GRCh37 (hg19) VCF-style: chr6-32803482-C-T.
Other names: c.677G>A, p.Arg226Gln (NM_000544.3, NM_018833.3); short protein forms R226Q.
Identifiers: ClinVar variation 1057617 (VCV001057617.11), dbSNP rs371802164, ClinGen allele CA137003427.